The following is an entry in ClinVar:

ClinVar aggregate classification (germline): Uncertain significance. Review status: criteria provided, multiple submitters, no conflicts (2 of 4 stars). 2 submissions from 2 submitters: Uncertain significance (2). Last evaluated 2022-02-09.

Conditions:
Hereditary sensory and autonomic neuropathy type 7. Also called: Neuropathy, hereditary sensory and autonomic, type VII; HSAN VII. Identifiers: Orphanet 391397, MedGen C3809882, MONDO:0014244, OMIM 615548.
Familial episodic pain syndrome with predominantly lower limb involvement. Also called: Episodic pain syndrome, familial, 3. Identifiers: Orphanet 391384, Orphanet 391392, MedGen C3809899, MONDO:0014247, OMIM 615552.

Allele frequency attached by ClinVar (database versions not stated): gnomAD exomes below 0.00001 and 0.00001; gnomAD 0.00001; TOPMed 0.00001.
gnomAD v4.1: 11 of 1,610,352 alleles (0.00068%); highest among the groups gnomAD compares: Non-Finnish European, 0.00093%; no homozygotes.

Submissions (2):

Labcorp Genetics (formerly Invitae), Labcorp
Classification: Uncertain significance for Familial episodic pain syndrome with predominantly lower limb involvement; Hereditary sensory and autonomic neuropathy type 7. Last evaluated: 2022-02-09. Review status: criteria provided, single submitter. Criteria: Invitae Variant Classification Sherloc (09022015). Collection method: clinical testing. Allele origin: germline.
Comment: The frequency data for this variant in the population databases is considered unreliable, as metrics indicate poor data quality at this position in the gnomAD database. In summary, the available evidence is currently insufficient to determine the role of this variant in disease. Therefore, it has been classified as a Variant of Uncertain Significance. Algorithms developed to predict the effect of missense changes on protein structure and function (SIFT, PolyPhen-2, Align-GVGD) all suggest that this variant is likely to be tolerated. ClinVar contains an entry for this variant (Variation ID: 474731). This missense change has been observed in individual(s) with clinical features of SCN11A-related conditions (Invitae). This sequence change replaces asparagine, which is neutral and polar, with lysine, which is basic and polar, at codon 155 of the SCN11A protein (p.Asn155Lys).

Breakthrough Genomics
Classification: Uncertain significance. Review status: criteria provided, single submitter. Criteria: ACMG Guidelines, 2015. Collection method: not provided. Allele origin: germline. Inheritance: Autosomal dominant inheritance. Affected: yes.

NM_001349253.2(SCN11A):c.465C>A (p.Asn155Lys)

Gene: SCN11A (sodium voltage-gated channel alpha subunit 11; minus strand). Cytogenetic location: 3p22.2.
Variant type: single nucleotide variant.
Coding change: c.465C>A on transcript NM_001349253.2 (MANE Select); coding-DNA position 465, C replaced by A.
Protein change: p.Asn155Lys; replaces asparagine 155 with lysine.
Molecular consequence: missense variant.
Genome position (GRCh38, 1-based): chr3:38,945,434, G>T on the plus strand (C>A on the coding strand, the complement: SCN11A is on the minus strand). VCF-style: chr3-38945434-G-T. GRCh37 (hg19) VCF-style: chr3-38986925-G-T.
Other names: c.465C>A, p.Asn155Lys (NM_014139.3); short protein forms N155K.
Identifiers: ClinVar variation 474731 (VCV000474731.6), dbSNP rs895473949, ClinGen allele CA72990975.